The following is an entry in ClinVar:

NM_152657.4(GGN):c.429GCC[6] (p.Pro148dup)

Gene: GGN (gametogenetin; minus strand). Cytogenetic location: 19q13.2.
Variant type: Microsatellite.
Coding change: c.429GCC[6] on transcript NM_152657.4 (MANE Select); six copies in a row of the 3-base unit GCC starting at c.429; the reference has five copies in a row; one copy, 3 bases duplicated; also written c.441_443dup.
Protein change: p.Pro148dup; duplicates proline 148.
Molecular consequence: inframe insertion.
Genome position (GRCh38, 1-based): chr19:38,386,819-38,386,821, GGC duplicated on the plus strand (GCC on the coding strand, the reverse complement: GGN is on the minus strand); duplicating any 3 consecutive bases within chr19:38,386,819-38,386,833 gives the same sequence; the position shown is the placement nearest the transcript's 3' end. VCF-style (leftmost placement, unchanged base first): chr19-38386818-G-GGGC. GRCh37 (hg19) VCF-style: chr19-38877458-G-GGGC.
Other names: c.441_443dup (NM_152657.3).
Identifiers: ClinVar variation 782625 (VCV000782625.9), dbSNP rs548116774, ClinGen allele CA9414377.

ClinVar aggregate classification (germline): Likely benign. Review status: criteria provided, multiple submitters, no conflicts (2 of 4 stars). 2 submissions from 2 submitters: Likely benign (2). Last evaluated 2025-11-01.

Submissions (2):

CeGaT Center for Human Genetics Tuebingen
Classification: Likely benign. Last evaluated: 2025-11-01. Review status: criteria provided, single submitter. Criteria: CeGaT Center For Human Genetics Tuebingen Variant Classification Criteria Version 2. Collection method: clinical testing. Allele origin: germline. Affected: yes. Observed: 1 variant allele.
Comment: GGN: PM4:Supporting, BS2

Labcorp Genetics (formerly Invitae), Labcorp
Classification: Likely benign. Last evaluated: 2019-12-31. Review status: criteria provided, single submitter. Criteria: Invitae Variant Classification Sherloc (09022015). Collection method: clinical testing. Allele origin: germline.